The following is an entry in ClinVar:

NM_004360.5(CDH1):c.377del (p.Pro126fs)

Gene: CDH1 (cadherin 1; plus strand). Cytogenetic location: 16q22.1.
Variant type: Deletion.
Coding change: c.377del on transcript NM_004360.5 (MANE Select); coding-DNA position 377, one base deleted (C; older notation c.377delC).
Protein change: p.Pro126fs; shifts the reading frame from proline 126.
Molecular consequence: frameshift variant. On other transcripts: 5 prime UTR variant (2).
Genome position (GRCh38, 1-based): chr16:68,801,883, C deleted; the last of 6 consecutive C bases (chr16:68,801,878-68,801,883); deleting any one gives the same sequence. VCF-style (leftmost placement, unchanged base first): chr16-68801877-GC-G. GRCh37 (hg19) VCF-style: chr16-68835780-GC-G.
Other names: NM_004360.5(CDH1):c.377del; p.Pro126fs; c.377del (LRG_301t1, NM_004360.3); c.377del, p.Pro126fs (NM_001317184.2); c.-1239del (NM_001317185.2); c.-1443del (NM_001317186.2); c.377delC (NM_004360.4); short protein forms P126fs.
Identifiers: ClinVar variation 406616 (VCV000406616.23), dbSNP rs1060501215, ClinGen allele CA16614939.

ClinVar aggregate classification (germline): Pathogenic. Review status: reviewed by expert panel (3 of 4 stars). 7 submissions from 7 submitters: Pathogenic (1). 6 of the submissions do not count toward it. Last evaluated 2023-08-28.

Conditions:
CDH1-related disorder. Also called: CDH1-related condition.
CDH1-related diffuse gastric and lobular breast cancer syndrome. Also called: CDH1-related diffuse gastric and lobular breast cancer. Identifiers: MedGen CN311521, MONDO:0100488.
Hereditary cancer-predisposing syndrome. Also called: Neoplastic Syndromes, Hereditary; Tumor predisposition; Hereditary Cancer Syndrome; Hereditary neoplastic syndrome. Identifiers: Orphanet 140162, MedGen C0027672, MeSH D009386, MONDO:0015356.
Hereditary diffuse gastric adenocarcinoma (HDGC). Also called: DIFFUSE GASTRIC AND LOBULAR BREAST CANCER SYNDROME. Identifiers: Orphanet 26106, MedGen C1708349, MONDO:0007648, OMIM 137215.

Submissions (7):

Clingen Gastric Cancer Variant Curation Expert Panel
Classification: Pathogenic for CDH1-related diffuse gastric and lobular breast cancer syndrome. Last evaluated: 2023-08-28. Review status: reviewed by expert panel. Criteria: ClinGen CDH1 ACMG Specifications V3.1. Collection method: curation. Allele origin: germline. Inheritance: Autosomal dominant inheritance.
Comment: The c.377delC p.(Pro126Argfs) variant is predicted to result in a premature stop codon that leads to a truncated or absent protein (PVS1, PM5_Supporting). The variant is absent in the gnomAD cohort (PM2_Supporting). This variant has been reported in at least one family meeting HDGC clinical criteria (PS4_Supporting; PMID: 10433926). Therefore, this variant meets criteria to be classified as pathogenic based on the ACMG/AMP criteria applied as specified by the CDH1 Variant Curation Expert Panel (Variant Interpretation Guidelines Version 3.1): PVS1, PM2_Supporting, PS4_Supporting, PM5_Supporting.

PreventionGenetics, part of Exact Sciences
Classification: Pathogenic for CDH1-related condition. Last evaluated: 2026-06-10. Review status: criteria provided, single submitter. Criteria: ACMG Guidelines, 2015. Collection method: clinical testing. Allele origin: germline. Not counted in ClinVar's aggregate classification.
Comment: The CDH1 c.377delC variant is predicted to result in a frameshift and premature protein termination (p.Pro126Argfs*89). This variant was reported in multiple individuals and family members with diffuse gastric cancer and/or lobular breast cancer (Keller et al. 1999. PubMed ID: 10433926; Table S1, Lo et al. 2019. PubMed ID: 30745422; Martínez Valenzuela et al. 2020. PubMed ID: 32886433; Supplementary Table 1, Adib et al. 2021. PubMed ID: 34949788). This variant has not been reported in a large population database (gnomAD), indicating this variant is rare. This variant is interpreted as pathogenic in ClinVar (Variation ID: 406616). Frameshift variants in CDH1 are expected to be pathogenic. This variant is interpreted as pathogenic.

Labcorp Genetics (formerly Invitae), Labcorp
Classification: Pathogenic for Hereditary diffuse gastric adenocarcinoma. Last evaluated: 2025-11-18. Review status: criteria provided, single submitter. Criteria: Invitae Variant Classification Sherloc (09022015). Collection method: clinical testing. Allele origin: germline. Not counted in ClinVar's aggregate classification.
Comment: This sequence change creates a premature translational stop signal (p.Pro126Argfs*89) in the CDH1 gene. It is expected to result in an absent or disrupted protein product. Loss-of-function variants in CDH1 are known to be pathogenic (PMID: 15235021, 20373070). This variant is not present in population databases (gnomAD no frequency). This premature translational stop signal has been observed in individual(s) with diffuse gastric cancer and breast cancer (PMID: 10433926, 17545690). ClinVar contains an entry for this variant (Variation ID: 406616). For these reasons, this variant has been classified as Pathogenic.

Ambry Genetics
Classification: Pathogenic for Hereditary cancer-predisposing syndrome. Last evaluated: 2024-09-10. Review status: criteria provided, single submitter. Criteria: Ambry Variant Classification Scheme 2023. Collection method: clinical testing. Allele origin: germline. Not counted in ClinVar's aggregate classification.
Comment: The c.377delC pathogenic mutation, located in coding exon 3 of the CDH1 gene, results from a deletion of one nucleotide at nucleotide position 377, causing a translational frameshift with a predicted alternate stop codon (p.P126Rfs*89). This variant is considered to be rare based on population cohorts in the Genome Aggregation Database (gnomAD). In addition to the clinical data presented in the literature, this alteration is expected to result in loss of function by premature protein truncation or nonsense-mediated mRNA decay. As such, this alteration is interpreted as a disease-causing mutation.

Myriad Genetics, Inc.
Classification: Pathogenic for Hereditary diffuse gastric adenocarcinoma. Last evaluated: 2023-06-08. Review status: criteria provided, single submitter. Criteria: Myriad Autosomal Dominant, Autosomal Recessive and X-Linked Classification Criteria (2023). Collection method: clinical testing. Allele origin: unknown. Not counted in ClinVar's aggregate classification.
Comment: This variant is considered pathogenic. This variant creates a frameshift predicted to result in premature protein truncation.

European Reference Network on Genetic Tumour Risk Syndromes (ERN-GENTURIS), i3s - Instituto de Investigação e Inovação em Saúde, University of Porto
Classification: Pathogenic for Hereditary diffuse gastric adenocarcinoma. Last evaluated: 2022-08-01. Review status: criteria provided, single submitter. Criteria: Lee et al. (Hum Mutat. 2018). Collection method: clinical testing. Allele origin: germline. Inheritance: Autosomal dominant inheritance. Affected: yes. Study: ERN GENTURIS. Not counted in ClinVar's aggregate classification.
Comment: PVS1; PS4_Moderate; PM2 (PMID: 30311375)

Quest Diagnostics Nichols Institute San Juan Capistrano
Classification: Pathogenic. Last evaluated: 2017-05-30. Review status: criteria provided, single submitter. Criteria: Quest Diagnostics criteria. Collection method: clinical testing. Allele origin: germline. Not counted in ClinVar's aggregate classification.

Literature cited by the submitters: PubMed 10433926 (cited by 3 submitters); PubMed 17545690 (cited by 3 submitters); PubMed 15235021 (cited by Labcorp Genetics (formerly Invitae), Labcorp); PubMed 20373070 (cited by Labcorp Genetics (formerly Invitae), Labcorp); PubMed 32886433 (cited by Ambry Genetics); PubMed 36436516 (cited by European Reference Network on Genetic Tumour Risk Syndromes (ERN-GENTURIS), i3s - Instituto de Investigação e Inovação em Saúde, University of Porto); PubMed 14033926 (cited by Quest Diagnostics Nichols Institute San Juan Capistrano).